The following is an entry in ClinVar:

NM_012470.4(TNPO3):c.552+6T>A

Gene: TNPO3 (transportin 3; minus strand). Cytogenetic location: 7q32.1.
Variant type: single nucleotide variant.
Coding change: c.552+6T>A on transcript NM_012470.4 (MANE Select); 6 bases into the intron after coding-DNA position 552, T replaced by A.
Molecular consequence: intron variant.
Genome position (GRCh38, 1-based): chr7:129,014,973, A>T on the plus strand (T>A on the coding strand, the complement: TNPO3 is on the minus strand). VCF-style: chr7-129014973-A-T. GRCh37 (hg19) VCF-style: chr7-128655027-A-T.
Other names: c.552+6T>A (NM_001382221.1, NM_001382222.1, NM_001382219.1 and 5 more transcripts); c.633+6T>A (NM_001382217.1).
Identifiers: ClinVar variation 935488 (VCV000935488.10), dbSNP rs373527589, ClinGen allele CA4478376.

ClinVar aggregate classification (germline): Uncertain significance (1 of 4 stars; one submission).

Conditions:
Autosomal dominant limb-girdle muscular dystrophy type 1F (LGMDD2). Also called: Limb-girdle muscular dystrophy, type 1F; MUSCULAR DYSTROPHY, LIMB-GIRDLE, AUTOSOMAL DOMINANT 2. Identifiers: Orphanet 55595, MedGen C1842062, MONDO:0012034, OMIM 608423.

Allele frequency attached by ClinVar (database versions not stated): ExAC 0.00002; TOPMed 0.00002; ESP Exome Variant Server 0.00008.

Submission:

Labcorp Genetics (formerly Invitae), Labcorp
Classification: Uncertain significance for Autosomal dominant limb-girdle muscular dystrophy type 1F. Last evaluated: 2019-10-25. Review status: criteria provided, single submitter. Criteria: Invitae Variant Classification Sherloc (09022015). Collection method: clinical testing. Allele origin: germline.
Comment: In summary, the available evidence is currently insufficient to determine the role of this variant in disease. Therefore, it has been classified as a Variant of Uncertain Significance. Nucleotide substitutions within the consensus splice site are a relatively common cause of aberrant splicing (PMID: 17576681, 9536098). Algorithms developed to predict the effect of sequence changes on RNA splicing suggest that this variant may disrupt the consensus splice site, but this prediction has not been confirmed by published transcriptional studies. This variant has not been reported in the literature in individuals with TNPO3-related conditions. This variant is present in population databases (rs373527589, ExAC 0.003%). This sequence change falls in intron 4 of the TNPO3 gene. It does not directly change the encoded amino acid sequence of the TNPO3 protein, but it affects a nucleotide within the consensus splice site of the intron.

Literature cited by the submitters: PubMed 17576681; PubMed 9536098.